The following is an entry in ClinVar:

ClinVar aggregate classification (germline): Pathogenic/Likely pathogenic. Review status: criteria provided, multiple submitters, no conflicts (2 of 4 stars). 5 submissions from 5 submitters: Pathogenic (2); Likely pathogenic (3). Last evaluated 2025-04-14.

Conditions:
Chuvash polycythemia. Also called: POLYCYTHEMIA, VHL-DEPENDENT. Identifiers: Orphanet 238557, MedGen C1837915, MONDO:0009892, OMIM 263400.
Von Hippel-Lindau syndrome (VHLS). Also called: VHL syndrome; Von Hippel-Lindau; von Hippel–Lindau syndrome. Identifiers: Orphanet 892, MedGen C0019562, MONDO:0008667, OMIM 193300. Disease mechanism: loss of function.
Hereditary cancer-predisposing syndrome. Also called: Hereditary neoplastic syndrome; Hereditary Cancer Syndrome; Neoplastic Syndromes, Hereditary; Tumor predisposition. Identifiers: Orphanet 140162, MedGen C0027672, MeSH D009386, MONDO:0015356.

Submissions (5):

Ambry Genetics
Classification: Likely pathogenic for Hereditary cancer-predisposing syndrome. Last evaluated: 2025-04-14. Review status: criteria provided, single submitter. Criteria: Ambry Variant Classification Scheme 2023. Collection method: clinical testing. Allele origin: germline.
Comment: The p.N131K variant (also known as c.393C>A), located in coding exon 2 of the VHL gene, results from a C to A substitution at nucleotide position 393. The asparagine at codon 131 is replaced by lysine, an amino acid with similar properties. This variant was reported in individuals and families with features consistent with von Hippel-Lindau syndrome (VHL) (Olschwang S et al. Hum Mutat, 1998;12:424-30; Gallou C et al. Hum Mutat, 2004 Sep;24:215-24; Majchrzak K et al. Neurol Sci, 2011 Jun;32:491-6; Jonasch E et al. Ann Oncol, 2011 Dec;22:2661-2666; Krauss T et al. Endocr Relat Cancer, 2018 Sep;25:783-793; Gao L et al. Genes (Basel), 2024 Sep;15; Ambry internal data). This amino acid position is highly conserved in available vertebrate species. In addition, the in silico prediction for this alteration is inconclusive. Based on the majority of available evidence to date, this variant is likely to be pathogenic.

Molecular Pathology, Peter Maccallum Cancer Centre
Classification: Likely pathogenic for Von Hippel-Lindau syndrome. Last evaluated: 2025-03-04. Review status: criteria provided, single submitter. Criteria: ACMG Guidelines, 2015. Collection method: clinical testing. Allele origin: germline. Inheritance: Autosomal dominant inheritance.

Women's Health and Genetics/Laboratory Corporation of America, LabCorp
Classification: Pathogenic for Von Hippel-Lindau syndrome. Last evaluated: 2024-11-25. Review status: criteria provided, single submitter. Criteria: LabCorp Variant Classification Summary - May 2015. Collection method: clinical testing. Allele origin: germline.
Comment: Variant summary: VHL c.393C>A (p.Asn131Lys) results in a non-conservative amino acid change located in the von Hippel-Landau (pVHL) tumor suppressor protein domain (IPR022772) of the encoded protein sequence. Five of five in-silico tools predict a damaging effect of the variant on protein function. At-least one additional variant at the same codon (c.392A>G, p.Asn131Ser) has been observed in individuals with Von Hippel-Lindau Syndrome supporting the critical relevance of this residue to VHL protein function. The variant was absent in 251688 control chromosomes. c.393C>A has been reported in the literature in individuals affected with Von Hippel-Lindau Syndrome (example, Olschwang_1998, Gallou_2004, Imanaka_2006, Jonasch_2011, Majchrzak_2011, Krauss_2018). At-least one of these publications reported a family with multiple affected family members, although only the affected proband was genotyped (Majchrzak_2011). These data indicate that the variant is likely to be associated with disease. To our knowledge, no experimental evidence demonstrating an impact on protein function has been reported. The following publications have been ascertained in the context of this evaluation (PMID: 15300849, 17001110, 22105611, 29748190, 21384277, 9829912). ClinVar contains an entry for this variant (Variation ID: 420074). Based on the evidence outlined above, the variant was classified as pathogenic.

Labcorp Genetics (formerly Invitae), Labcorp
Classification: Pathogenic for Von Hippel-Lindau syndrome; Chuvash polycythemia. Last evaluated: 2022-02-05. Review status: criteria provided, single submitter. Criteria: Invitae Variant Classification Sherloc (09022015). Collection method: clinical testing. Allele origin: germline.
Comment: This variant disrupts the p.Asn131 amino acid residue in VHL. Other variant(s) that disrupt this residue have been determined to be pathogenic (PMID: 10761708, 17001110, 21384277, 27527340; Invitae). This suggests that this residue is clinically significant, and that variants that disrupt this residue are likely to be disease-causing. For these reasons, this variant has been classified as Pathogenic. Advanced modeling of protein sequence and biophysical properties (such as structural, functional, and spatial information, amino acid conservation, physicochemical variation, residue mobility, and thermodynamic stability) performed at Invitae indicates that this missense variant is expected to disrupt VHL protein function. ClinVar contains an entry for this variant (Variation ID: 420074). This missense change has been observed in individuals with von Hippel-Lindau syndrome (PMID: 9829912, 15300849, 21384277). This variant is not present in population databases (gnomAD no frequency). This sequence change replaces asparagine, which is neutral and polar, with lysine, which is basic and polar, at codon 131 of the VHL protein (p.Asn131Lys).

GeneDx
Classification: Likely pathogenic. Last evaluated: 2020-10-26. Review status: criteria provided, single submitter. Criteria: GeneDx Variant Classification Process June 2021. Collection method: clinical testing. Allele origin: germline. Affected: yes.
Comment: Not observed in large population cohorts (Lek 2016); In silico analysis supports that this missense variant has a deleterious effect on protein structure/function; This variant is associated with the following publications: (PMID: 22105611, 15300849, 18836774, 9829912, 17661816, 24166983, 20660572, 17696210, 20151405, 19238077, 21384277, 29748190)

Literature cited by the submitters: PubMed 15300849 (cited by 3 submitters); PubMed 21384277 (cited by 3 submitters); PubMed 22105611 (cited by Ambry Genetics and Women's Health and Genetics/Laboratory Corporation of America, LabCorp); PubMed 29748190 (cited by Ambry Genetics and Women's Health and Genetics/Laboratory Corporation of America, LabCorp); PubMed 39336783 (cited by Ambry Genetics); PubMed 9829912 (cited by 3 submitters); PubMed 17001110 (cited by Women's Health and Genetics/Laboratory Corporation of America, LabCorp and Labcorp Genetics (formerly Invitae), Labcorp); PubMed 10761708 (cited by Labcorp Genetics (formerly Invitae), Labcorp); PubMed 27527340 (cited by Labcorp Genetics (formerly Invitae), Labcorp).

NM_000551.4(VHL):c.393C>A (p.Asn131Lys)

Genes: VHL (von Hippel-Lindau tumor suppressor; plus strand), LOC107303340 (3p25 von Hippel-Lindau tumor suppressor, E3 ubiquitin protein ligase Alu-mediated recombination region; plus strand). Cytogenetic location: 3p25.3.
Variant type: single nucleotide variant.
Coding change: c.393C>A on transcript NM_000551.4 (MANE Select); coding-DNA position 393, C replaced by A.
Protein change: p.Asn131Lys; replaces asparagine 131 with lysine.
Molecular consequence: missense variant. On other transcripts: intron variant (2).
Genome position (GRCh38, 1-based): chr3:10,146,566, C>A. VCF-style: chr3-10146566-C-A. GRCh37 (hg19) VCF-style: chr3-10188250-C-A.
Other names: c.*18-3221C>A (NM_001354723.2); c.341-3221C>A (NM_198156.3); short protein forms N131K.
Identifiers: ClinVar variation 420074 (VCV000420074.11), dbSNP rs1064794272, ClinGen allele CA16617789.